The following is an entry in ClinVar:

ClinVar aggregate classification (germline): Conflicting classifications of pathogenicity. Review status: criteria provided, conflicting classifications (1 of 4 stars). 3 submissions from 3 submitters: Uncertain significance (2); Likely benign (1). Last evaluated 2025-11-10.

Conditions:
Hereditary cancer-predisposing syndrome. Also called: Neoplastic Syndromes, Hereditary; Tumor predisposition; Hereditary Cancer Syndrome; Hereditary neoplastic syndrome. Identifiers: Orphanet 140162, MedGen C0027672, MeSH D009386, MONDO:0015356.
Hereditary nonpolyposis colorectal neoplasms. Identifiers: MedGen C0009405, MeSH D003123.
Lynch syndrome. Identifiers: Orphanet 144, MedGen C4552100, MONDO:0005835. Disease mechanism: loss of function.

Allele frequency attached by ClinVar (database versions not stated): gnomAD exomes 0.00001; ExAC 0.00002.
gnomAD v4.1: 2 of 1,614,156 alleles (0.00012%); highest among the groups gnomAD compares: Admixed American, 0.0033%; no homozygotes.

Submissions (3):

Labcorp Genetics (formerly Invitae), Labcorp
Classification: Likely benign for Hereditary nonpolyposis colorectal neoplasms. Last evaluated: 2025-11-10. Review status: criteria provided, single submitter. Criteria: Invitae Variant Classification Sherloc (09022015). Collection method: clinical testing. Allele origin: germline.

Ambry Genetics
Classification: Uncertain significance for Hereditary cancer-predisposing syndrome. Last evaluated: 2024-12-04. Review status: criteria provided, single submitter. Criteria: Ambry Variant Classification Scheme 2023. Collection method: clinical testing. Allele origin: germline.
Comment: The p.V653L variant (also known as c.1957G>C), located in coding exon 4 of the MSH6 gene, results from a G to C substitution at nucleotide position 1957. The valine at codon 653 is replaced by leucine, an amino acid with highly similar properties. This amino acid position is not well conserved in available vertebrate species. In addition, this alteration is predicted to be tolerated by in silico analysis. Since supporting evidence is limited at this time, the clinical significance of this alteration remains unclear.

All of Us Research Program, National Institutes of Health
Classification: Uncertain significance for Lynch syndrome. Last evaluated: 2024-05-14. Review status: criteria provided, single submitter. Criteria: ACMG Guidelines, 2015. Collection method: clinical testing. Allele origin: germline. Inheritance: Autosomal dominant inheritance. Observed: 2 variant alleles, 2 heterozygotes.
Comment: This missense variant replaces valine with leucine at codon 653 of the MSH6 protein. Computational prediction suggests that this variant may not impact protein structure and function (internally defined REVEL score threshold <= 0.5, PMID: 27666373). To our knowledge, functional studies have not been reported for this variant. This variant has not been reported in individuals affected with MSH6-related disorders in the literature. This variant has been identified in 2/251192 chromosomes in the general population by the Genome Aggregation Database (gnomAD). The available evidence is insufficient to determine the role of this variant in disease conclusively. Therefore, this variant is classified as a Variant of Uncertain Significance.

This study involves interpretation of variants in research participants for the purpose of population health screening. Participant phenotype was not available at the time of variant classification. Additional details can be found in publication PMID: 35346344, PMCID: PMC8962531

NM_000179.3(MSH6):c.1957G>C (p.Val653Leu)

Gene: MSH6 (mutS homolog 6; plus strand). Cytogenetic location: 2p16.3.
Variant type: single nucleotide variant.
Coding change: c.1957G>C on transcript NM_000179.3 (MANE Select); coding-DNA position 1957, G replaced by C.
Protein change: p.Val653Leu; replaces valine 653 with leucine.
Molecular consequence: missense variant.
Genome position (GRCh38, 1-based): chr2:47,799,940, G>C. VCF-style: chr2-47799940-G-C. GRCh37 (hg19) VCF-style: chr2-48027079-G-C.
Other names: c.1567G>C, p.Val523Leu (NM_001281492.2); c.1051G>C, p.Val351Leu (NM_001281493.2, NM_001281494.2); short protein forms V653L, V523L, V351L.
Identifiers: ClinVar variation 230544 (VCV000230544.16), dbSNP rs768095444, ClinGen allele CA068319.
Genomic context (GRCh38, chr2:47,799,940, plus strand): 5'-ACTTTGAGAACTCTCCTTGAGGAAGAATATTTTAGGGAAAAGCTAAGTGATGGCATTGGG[G>C]TGATGTTACCCCAGGTGCTTAAAGGTATGACTTCAGAGTCTGATTCCATTGGGTTGACAC-3'
Protein context (NP_000170.1, residues 643-663): FREKLSDGIG[Val653Leu]MLPQVLKGMT